The following is an entry in ClinVar:

ClinVar aggregate classification (germline): Conflicting classifications of pathogenicity. Review status: criteria provided, conflicting classifications (1 of 4 stars). 3 submissions from 3 submitters: Uncertain significance (2); Likely benign (1). Last evaluated 2024-10-09.

Conditions:
Hereditary cancer-predisposing syndrome. Also called: Hereditary neoplastic syndrome; Neoplastic Syndromes, Hereditary; Hereditary Cancer Syndrome; Tumor predisposition. Identifiers: Orphanet 140162, MedGen C0027672, MeSH D009386, MONDO:0015356.
Gorlin syndrome. Also called: Nevoid Basal Cell Carcinoma Syndrome; Basal cell nevus syndrome. Identifiers: Orphanet 377, MedGen C0004779, MONDO:0007187.

Submissions (3):

Labcorp Genetics (formerly Invitae), Labcorp
Classification: Uncertain significance for Gorlin syndrome. Last evaluated: 2024-10-09. Review status: criteria provided, single submitter. Criteria: Invitae Variant Classification Sherloc (09022015). Collection method: clinical testing. Allele origin: germline.
Comment: This variant, c.46_51dup, results in the insertion of 2 amino acid(s) of the PTCH1 protein (p.Gly16_Gly17dup), but otherwise preserves the integrity of the reading frame. This variant is not present in population databases (gnomAD no frequency). This variant has not been reported in the literature in individuals affected with PTCH1-related conditions. Experimental studies and prediction algorithms are not available or were not evaluated, and the functional significance of this variant is currently unknown. In summary, the available evidence is currently insufficient to determine the role of this variant in disease. Therefore, it has been classified as a Variant of Uncertain Significance.

Quest Diagnostics Nichols Institute San Juan Capistrano
Classification: Uncertain significance. Last evaluated: 2024-01-25. Review status: criteria provided, single submitter. Criteria: Quest Diagnostics criteria. Collection method: clinical testing. Allele origin: unknown.
Comment: The PTCH1 c.46_51dup (p.Gly16_Gly17dup) variant has not been reported in individuals with PTCH1-related conditions in the published literature. The frequency of this variant in the general population, 0.000013 (2/150744 chromosomes (Genome Aggregation Database)), is uninformative in the assessment of its pathogenicity. Based on the available information, we are unable to determine the clinical significance of this variant.

Ambry Genetics
Classification: Likely benign for Hereditary cancer-predisposing syndrome. Last evaluated: 2021-01-25. Review status: criteria provided, single submitter. Criteria: Ambry Variant Classification Scheme 2023. Collection method: clinical testing. Allele origin: germline.

Literature cited by the submitters: PubMed 27325696 (cited by Ambry Genetics); PubMed 29954986 (cited by Ambry Genetics); PubMed 30166346 (cited by Ambry Genetics).

NM_000264.5(PTCH1):c.40GGC[6] (p.Gly16_Gly17dup)

Genes: PTCH1 (patched 1; minus strand), LOC130002133 (ATAC-STARR-seq lymphoblastoid silent region 20071; plus strand). Cytogenetic location: 9q22.32.
Variant type: Microsatellite.
Coding change: c.40GGC[6] on transcript NM_000264.5 (MANE Select); six copies in a row of the 3-base unit GGC starting at c.40; the reference has four copies in a row; two copies, 6 bases duplicated; also written c.46_51dup.
Protein change: p.Gly16_Gly17dup.
Molecular consequence: inframe insertion. On other transcripts: non-coding transcript variant (1), intron variant (3).
Genome position (GRCh38, 1-based): chr9:95,508,311-95,508,316, GCCGCC duplicated on the plus strand (GGCGGC on the coding strand, the reverse complement: PTCH1 is on the minus strand); duplicating any 6 consecutive bases within chr9:95,508,311-95,508,324 gives the same sequence; the position shown is the placement nearest the transcript's 3' end. VCF-style (leftmost placement, unchanged base first): chr9-95508310-T-TGCCGCC. GRCh37 (hg19) VCF-style: chr9-98270592-T-TGCCGCC.
Other names: c.40GGC[6], p.Gly16_Gly17dup (NM_001354918.2); c.199-1723GGC[6] (NM_001083603.3); c.4-1723GGC[6] (NM_001083602.3, NM_001354919.2); c.46_51dup (NM_000264.4).
Identifiers: ClinVar variation 570794 (VCV000570794.11), dbSNP rs756897237, ClinGen allele CA868817994.